The following is an entry in ClinVar:

ClinVar aggregate classification (germline): drug response. Review status: reviewed by expert panel (3 of 4 stars). 11 submissions from 9 submitters: drug response (3). 8 of the submissions do not count toward it. Last evaluated 2021-03-24.

Conditions:
DPYD-related disorder. Also called: DPYD-related condition.
fluorouracil response - Other.
fluorouracil response - Toxicity.
capecitabine response - Toxicity.
Dihydropyrimidine dehydrogenase deficiency (DPYDD). Also called: DPD DEFICIENCY; DPYD DEFICIENCY; Hereditary Thymine-Uraciluria. Identifiers: Orphanet 1675, MedGen C1959620, MONDO:0010130, OMIM 274270.

Allele frequency attached by ClinVar (database versions not stated): gnomAD 0.03794 and 0.03993; TOPMed 0.04067; ESP Exome Variant Server 0.04137; 1000 Genomes Project 30x 0.04325; 1000 Genomes Project 0.04393; ExAC 0.04647; gnomAD exomes 0.04687 and 0.04710.
gnomAD v4.1: 75,368 of 1,612,218 alleles (4.7%); highest among the groups gnomAD compares: Middle Eastern, 12%; 2,145 homozygotes.

Submissions (11):

ClinPGx
Classification: drug response for capecitabine response - Toxicity. Last evaluated: 2021-03-24. Review status: reviewed by expert panel. Criteria: Pharmacogenomics knowledge for personalized medicine. Collection method: curation. Allele origin: germline. Affected: yes.
Comment: PharmGKB Level of Evidence 1A: Level 1A clinical annotations describe variant-drug combinations that have variant-specific prescribing guidance available in a current clinical guideline annotation or an FDA-approved drug label annotation. Annotations of drug labels or clinical guidelines must give prescribing guidance for specific variants (e.g. CYP2C9*3, HLA-B*57:01) or provide mapping from defined allele functions to diplotypes and phenotypes to be used as supporting evidence for a level 1A clinical annotation. Level 1A clinical annotations must also be supported by at least one publication in addition to a clinical guideline or drug label with variant-specific prescribing guidance.

Drug is not necessarily used to treat response condition

ClinPGx
Classification: drug response for fluorouracil response - Other. Last evaluated: 2021-03-24. Review status: reviewed by expert panel. Criteria: Pharmacogenomics knowledge for personalized medicine. Collection method: curation. Allele origin: germline. Affected: yes.
Comment: PharmGKB Level of Evidence 1A: Level 1A clinical annotations describe variant-drug combinations that have variant-specific prescribing guidance available in a current clinical guideline annotation or an FDA-approved drug label annotation. Annotations of drug labels or clinical guidelines must give prescribing guidance for specific variants (e.g. CYP2C9*3, HLA-B*57:01) or provide mapping from defined allele functions to diplotypes and phenotypes to be used as supporting evidence for a level 1A clinical annotation. Level 1A clinical annotations must also be supported by at least one publication in addition to a clinical guideline or drug label with variant-specific prescribing guidance.

ClinPGx
Classification: drug response for fluorouracil response - Toxicity. Last evaluated: 2021-03-24. Review status: reviewed by expert panel. Criteria: Pharmacogenomics knowledge for personalized medicine. Collection method: curation. Allele origin: germline. Affected: yes.
Comment: the same text as in the submission from ClinPGx above.

Blueprint Genetics
Classification: Likely benign. Last evaluated: 2024-11-26. Review status: criteria provided, single submitter. Criteria: ACMG Guidelines, 2015. Collection method: clinical testing. Allele origin: germline. Not counted in ClinVar's aggregate classification.

CeGaT Center for Human Genetics Tuebingen
Classification: Benign. Last evaluated: 2024-05-01. Review status: criteria provided, single submitter. Criteria: CeGaT Center For Human Genetics Tuebingen Variant Classification Criteria Version 2. Collection method: clinical testing. Allele origin: germline. Affected: yes. Observed: 3 variant alleles. Not counted in ClinVar's aggregate classification.
Comment: DPYD: BP4, BS1, BS2

GeneDx
Classification: Benign. Last evaluated: 2018-07-09. Review status: criteria provided, single submitter. Criteria: GeneDx Variant Classification Process June 2021. Collection method: clinical testing. Allele origin: germline. Affected: yes. Not counted in ClinVar's aggregate classification.
Comment: This variant is associated with the following publications: (PMID: 26804652, 29769267)

Illumina Laboratory Services, Illumina
Classification: Likely benign for Dihydropyrimidine dehydrogenase deficiency. Last evaluated: 2018-03-06. Review status: criteria provided, single submitter. Criteria: ICSL Variant Classification Criteria 13 December 2019. Collection method: clinical testing. Allele origin: germline. Not counted in ClinVar's aggregate classification.
Comment: This variant was observed in the ICSL laboratory as part of a predisposition screen in an ostensibly healthy population. It had not been previously curated by ICSL or reported in the Human Gene Mutation Database (HGMD: prior to June 1st, 2018), and was therefore a candidate for classification through an automated scoring system. Utilizing variant allele frequency, disease prevalence and penetrance estimates, and inheritance mode, an automated score was calculated to assess if this variant is too frequent to cause the disease. Based on the score and internal cut-off values, a variant classified as likely benign is not then subjected to further curation. The score for this variant resulted in a classification of likely benign for this disease.

Athena Diagnostics
Classification: Benign. Last evaluated: 2017-06-16. Review status: criteria provided, single submitter. Criteria: Athena Diagnostics Criteria. Collection method: clinical testing. Allele origin: germline. Not counted in ClinVar's aggregate classification.

Eurofins Ntd Llc (ga)
Classification: Benign. Last evaluated: 2016-08-17. Review status: criteria provided, single submitter. Criteria: EGL Classification Definitions 2015. Collection method: clinical testing. Allele origin: germline. Observed: 4 variant alleles, 3 heterozygotes, 1 homozygote. Not counted in ClinVar's aggregate classification.

PreventionGenetics, part of Exact Sciences
Classification: Benign for DPYD-related condition. Last evaluated: 2024-03-05. Review status: no assertion criteria provided. Collection method: clinical testing. Allele origin: germline. Not counted in ClinVar's aggregate classification.
Comment: This variant is classified as benign based on ACMG/AMP sequence variant interpretation guidelines (Richards et al. 2015 PMID: 25741868, with internal and published modifications).

Diasio Lab,  Mayo Clinic
No classification provided. Review status: no classification provided. Collection method: not provided. Allele origin: unknown. Not counted in ClinVar's aggregate classification.

Literature cited by the submitters: PubMed 19530960 (cited by ClinPGx); PubMed 21498394 (cited by ClinPGx and Athena Diagnostics); PubMed 22490566 (cited by ClinPGx); PubMed 24590654 (cited by ClinPGx); PubMed 24647007 (cited by ClinPGx); PubMed 24923815 (cited by ClinPGx); PubMed 26099996 (cited by ClinPGx); PubMed 28481884 (cited by ClinPGx and Athena Diagnostics); PubMed 28745575 (cited by ClinPGx); PubMed 29065426 (cited by ClinPGx); PubMed 30114658 (cited by ClinPGx); PubMed 30723313 (cited by ClinPGx); PubMed 30858516 (cited by ClinPGx); PubMed 10803677 (cited by ClinPGx); PubMed 16115930 (cited by ClinPGx and Athena Diagnostics); PubMed 23328581 (cited by ClinPGx and Athena Diagnostics); PubMed 23588312 (cited by ClinPGx and Athena Diagnostics); PubMed 26265035 (cited by ClinPGx and Athena Diagnostics); PubMed 26804652 (cited by ClinPGx and Athena Diagnostics); PubMed 11156223 (cited by ClinPGx); PubMed 18299612 (cited by ClinPGx and Athena Diagnostics); PubMed 19473056 (cited by ClinPGx and Athena Diagnostics); PubMed 26794347 (cited by ClinPGx and Athena Diagnostics); PubMed 26846104 (cited by ClinPGx and Athena Diagnostics); PubMed 28614820 (cited by ClinPGx); PubMed 18452418 (cited by Athena Diagnostics); PubMed 15132136 (cited by Athena Diagnostics); PubMed 26651493 (cited by Athena Diagnostics); PubMed 25381393 (cited by Athena Diagnostics); PubMed 17828463 (cited by Athena Diagnostics); PubMed 26330892 (cited by Athena Diagnostics); PubMed 23781135 (cited by Athena Diagnostics); PubMed 27454530 (cited by Athena Diagnostics); PubMed 11875367 (cited by Athena Diagnostics); PubMed 26254383 (cited by Athena Diagnostics); PubMed 18937829 (cited by Athena Diagnostics); PubMed 23481061 (cited by Athena Diagnostics); PubMed 28395758 (cited by Athena Diagnostics); PubMed 15890268 (cited by Athena Diagnostics); PubMed 20647221 (cited by Athena Diagnostics); PubMed 26505400 (cited by Athena Diagnostics); PubMed 25110414 (cited by Athena Diagnostics); PubMed 15591715 (cited by Athena Diagnostics); PubMed 23238479 (cited by Athena Diagnostics); PubMed 20920994 (cited by Athena Diagnostics); PubMed 16719540 (cited by Athena Diagnostics); PubMed 19288105 (cited by Athena Diagnostics); PubMed 21833589 (cited by Athena Diagnostics); PubMed 24648345 (cited by Athena Diagnostics); PubMed 20530282 (cited by Athena Diagnostics); PubMed 17876700 (cited by Athena Diagnostics); PubMed 12164772 (cited by Athena Diagnostics); PubMed 12885330 (cited by Athena Diagnostics); PubMed 15571261 (cited by Athena Diagnostics); PubMed 25826134 (cited by Athena Diagnostics); PubMed 20803296 (cited by Athena Diagnostics); PubMed 27281625 (cited by Athena Diagnostics); PubMed 9721209 (cited by Athena Diagnostics); PubMed 12851836 (cited by Athena Diagnostics); PubMed 26216193 (cited by Athena Diagnostics); PubMed 21412232 (cited by Athena Diagnostics).

NM_000110.4(DPYD):c.2194G>A (p.Val732Ile)

Genes: DPYD (dihydropyrimidine dehydrogenase; minus strand), DPYD-AS1 (DPYD antisense RNA 1; plus strand). Cytogenetic location: 1p21.3.
Variant type: single nucleotide variant.
Coding change: c.2194G>A on transcript NM_000110.4 (MANE Select); coding-DNA position 2194, G replaced by A.
Protein change: p.Val732Ile; replaces valine 732 with isoleucine.
Molecular consequence: missense variant.
Genome position (GRCh38, 1-based): chr1:97,305,364, C>T on the plus strand (G>A on the coding strand, the complement: DPYD is on the minus strand). VCF-style: chr1-97305364-C-T. GRCh37 (hg19) VCF-style: chr1-97770920-C-T.
Other names: short protein forms V732I.
Identifiers: ClinVar variation 100080 (VCV000100080.37), dbSNP rs1801160, ClinGen allele CA228097.